The following is an entry in ClinVar:

ClinVar aggregate classification (germline): Uncertain significance (1 of 4 stars; one submission).

gnomAD v4.1: 1 of 1,194,100 alleles (0.000084%); highest among the groups gnomAD compares: African/African-American, 0.0018%; no homozygotes.

Submission:

GeneDx
Classification: Uncertain significance. Last evaluated: 2026-02-09. Review status: criteria provided, single submitter. Criteria: GeneDx Variant Classification Process June 2021. Collection method: clinical testing. Allele origin: germline.
Comment: Not observed at significant frequency in large population cohorts (gnomAD); In silico analysis suggests that this missense variant does not alter protein structure/function; Has not been previously published as pathogenic or benign to our knowledge

NM_001368397.1(FRMPD4):c.831C>G (p.Ser277Arg)

Gene: FRMPD4 (FERM and PDZ domain containing 4; plus strand). Cytogenetic location: Xp22.2.
Variant type: single nucleotide variant.
Coding change: c.831C>G on transcript NM_001368397.1 (MANE Select); coding-DNA position 831, C replaced by G.
Protein change: p.Ser277Arg; replaces serine 277 with arginine.
Molecular consequence: missense variant.
Genome position (GRCh38, 1-based): chrX:12,694,352, C>G. VCF-style: chrX-12694352-C-G. GRCh37 (hg19) VCF-style: chrX-12712471-C-G.
Other names: c.942C>G, p.Ser314Arg (NM_001368395.3, NM_001368398.3); c.837C>G, p.Ser279Arg (NM_001368396.3); c.822C>G, p.Ser274Arg (NM_001368399.3); c.711C>G, p.Ser237Arg (NM_001368400.3); c.807C>G, p.Ser269Arg (NM_001368401.1, NM_001368402.3); c.831C>G, p.Ser277Arg (NM_014728.3); short protein forms S237R, S269R, S274R, S277R, S279R, S314R.
Identifiers: ClinVar variation 4976513 (VCV004976513.1).
Genomic context (GRCh38, chrX:12,694,352, plus strand): 5'-GTCAGCACTGAAGGGTTCTTGTGTGATTGGTCTACTCTTCCAGGTGACACAGAGGCCCAG[C>G]TCCCATAAGATGAGATGTCTTTTCCGAATTAGCTTCGTCCCAAAAGATCCAATTGACCTT-3'
Protein context (NP_001355326.1, residues 267-287): ETLTQVTQRP[Ser277Arg]SHKMRCLFRI